The following is an entry in ClinVar:

ClinVar aggregate classification (germline): Benign. Review status: criteria provided, multiple submitters, no conflicts (2 of 4 stars). 3 submissions from 3 submitters: Benign (2). 1 of the submissions does not count toward it. Last evaluated 2018-02-09.

Conditions:
ZP2-related disorder. Also called: ZP2-related condition.

Allele frequency attached by ClinVar (database versions not stated): gnomAD exomes 0.00115 and 0.00323; ExAC 0.00397; gnomAD 0.01197 and 0.01277; ESP Exome Variant Server 0.01269; TOPMed 0.01356; 1000 Genomes Project 0.01398; 1000 Genomes Project 30x 0.01562.

Submissions (3):

Labcorp Genetics (formerly Invitae), Labcorp
Classification: Benign. Last evaluated: 2018-02-09. Review status: criteria provided, single submitter. Criteria: Invitae Variant Classification Sherloc (09022015). Collection method: clinical testing. Allele origin: germline.

Breakthrough Genomics
Classification: Benign. Review status: criteria provided, single submitter. Criteria: ACMG Guidelines, 2015. Collection method: not provided. Allele origin: germline. Inheritance: Autosomal recessive inheritance. Affected: yes.

PreventionGenetics, part of Exact Sciences
Classification: Benign for ZP2-related condition. Last evaluated: 2019-05-28. Review status: no assertion criteria provided. Collection method: clinical testing. Allele origin: germline. Not counted in ClinVar's aggregate classification.
Comment: This variant is classified as benign based on ACMG/AMP sequence variant interpretation guidelines (Richards et al. 2015 PMID: 25741868, with internal and published modifications).

NM_001376232.1(ZP2):c.495A>C (p.Pro165=)

Gene: ZP2 (zona pellucida glycoprotein 2; minus strand). Cytogenetic location: 16p12.2.
Variant type: single nucleotide variant.
Coding change: c.495A>C on transcript NM_001376232.1 (MANE Select); coding-DNA position 495, A replaced by C.
Protein change: p.Pro165=; no amino-acid change (proline 165 retained).
Molecular consequence: synonymous variant. On other transcripts: non-coding transcript variant (1).
Genome position (GRCh38, 1-based): chr16:21,205,764, T>G on the plus strand (A>C on the coding strand, the complement: ZP2 is on the minus strand). VCF-style: chr16-21205764-T-G. GRCh37 (hg19) VCF-style: chr16-21217085-T-G.
Other names: c.495A>C, p.Pro165= (NM_001376231.1, NM_001376233.1, NM_003460.2).
Identifiers: ClinVar variation 710348 (VCV000710348.6), dbSNP rs35162028, ClinGen allele CA7950038.
Genomic context (GRCh38, chr16:21,205,764, plus strand): 5'-GTCTGATTTTTAAAATTTGCTTCATACCTTACTGTCGTCAGCCAAGCCAGAGAAGACCCG[T>G]GGCAAGGAAAACTGGAAGAAAAGAATTGTGATGTAAGACTTTGATTTGGAGGTAGATGTT-3'
Protein context (NP_001363161.1, residues 155-175): CQKDFMSFSL[Pro165=]RVFSGLADDS